The following is an entry in ClinVar:

NM_005751.5(AKAP9):c.280A>T (p.Ser94Cys)

Gene: AKAP9 (A-kinase anchoring protein 9; plus strand). Cytogenetic location: 7q21.2.
Variant type: single nucleotide variant.
Coding change: c.280A>T on transcript NM_005751.5 (MANE Select); coding-DNA position 280, A replaced by T.
Protein change: p.Ser94Cys; replaces serine 94 with cysteine.
Molecular consequence: missense variant.
Genome position (GRCh38, 1-based): chr7:91,973,942, A>T. VCF-style: chr7-91973942-A-T. GRCh37 (hg19) VCF-style: chr7-91603256-A-T.
Other names: c.280A>T, p.Ser94Cys (NM_147185.3); short protein forms S94C.
Identifiers: ClinVar variation 3723242 (VCV003723242.2).

ClinVar aggregate classification (germline): Uncertain significance (1 of 4 stars; one submission).

Conditions:
Long QT syndrome (LQTS). Identifiers: MedGen C0023976, MeSH D008133, MONDO:0002442. Disease mechanism: loss of function. Inheritance: Various modes of inheritance.

Submission:

Labcorp Genetics (formerly Invitae), Labcorp
Classification: Uncertain significance for Long QT syndrome. Last evaluated: 2024-10-18. Review status: criteria provided, single submitter. Criteria: Invitae Variant Classification Sherloc (09022015). Collection method: clinical testing. Allele origin: germline.
Comment: This sequence change replaces serine, which is neutral and polar, with cysteine, which is neutral and slightly polar, at codon 94 of the AKAP9 protein (p.Ser94Cys). This variant is not present in population databases (gnomAD no frequency). This variant has not been reported in the literature in individuals affected with AKAP9-related conditions. An algorithm developed to predict the effect of missense changes on protein structure and function (PolyPhen-2) suggests that this variant is likely to be disruptive. In summary, the available evidence is currently insufficient to determine the role of this variant in disease. Therefore, it has been classified as a Variant of Uncertain Significance.